The following is an entry in ClinVar:

NM_012330.4(KAT6B):c.2405A>G (p.Gln802Arg)

Gene: KAT6B (lysine acetyltransferase 6B; plus strand). Cytogenetic location: 10q22.2.
Variant type: single nucleotide variant.
Coding change: c.2405A>G on transcript NM_012330.4 (MANE Select); coding-DNA position 2405, A replaced by G.
Protein change: p.Gln802Arg; replaces glutamine 802 with arginine.
Molecular consequence: missense variant. On other transcripts: intron variant (4).
Genome position (GRCh38, 1-based): chr10:74,985,111, A>G. VCF-style: chr10-74985111-A-G. GRCh37 (hg19) VCF-style: chr10-76744869-A-G.
Other names: c.2405A>G (NM_012330.2); c.1340A>G, p.Gln447Arg (NM_001370143.1, NM_001370144.1); c.847-3908A>G (NM_001370133.1); c.450+3183A>G (NM_001370134.1); c.1497+3183A>G (NM_001370132.1); c.193-3908A>G (NM_001370135.1); c.1856A>G, p.Gln619Arg (NM_001256468.2, NM_001370138.1); c.1529A>G, p.Gln510Arg (NM_001256469.2, NM_001370139.1, NM_001370140.1 and 2 more transcripts); and 1 more; short protein forms Q802R, Q510R, Q619R, Q447R.
Identifiers: ClinVar variation 2722162 (VCV002722162.5), dbSNP rs778305732, ClinGen allele CA5564597.

ClinVar aggregate classification (germline): Conflicting classifications of pathogenicity. Review status: criteria provided, conflicting classifications (1 of 4 stars). 3 submissions from 3 submitters: Uncertain significance (2); Likely benign (1). Last evaluated 2026-08-03.

Conditions:
Inborn genetic diseases. Identifiers: MedGen C0950123, MeSH D030342.
Genitopatellar syndrome (GTPTS). Also called: Genitopatellar syndrome (GPS); ABSENT PATELLAE, SCROTAL HYPOPLASIA, RENAL ANOMALIES, FACIAL DYSMORPHISM, AND MENTAL RETARDATION. Identifiers: Orphanet 85201, MedGen C1853566, MONDO:0011640, OMIM 606170.
Blepharophimosis - intellectual disability syndrome, SBBYS type (SBBYSS). Also called: Say-Barber-Biesecker variant of Ohdo syndrome (SBBYSS); Young Simpson syndrome; Mental retardation unusual facies hypothyroidism; Say-Barber-Biesecker-Young-Simpson variant of Ohdo Syndrome; Say-Barber-Biesecker Variant of Ohdo Syndrome; Ohdo syndrome, SBBYS variant. Identifiers: Orphanet 3047, MedGen C1863557, MONDO:0011365, OMIM 603736.

Allele frequency attached by ClinVar (database versions not stated): ExAC 0.00001; gnomAD exomes 0.00001; TOPMed below 0.00001.
gnomAD v4.1: 16 of 1,614,178 alleles (0.00099%); highest among the groups gnomAD compares: Non-Finnish European, 0.0013%; no homozygotes.

Submissions (3):

Ambry Genetics
Classification: Likely benign for Inborn genetic diseases. Last evaluated: 2026-08-03. Review status: criteria provided, single submitter. Criteria: Ambry Variant Classification Scheme 2023. Collection method: clinical testing. Allele origin: germline.

Labcorp Genetics (formerly Invitae), Labcorp
Classification: Uncertain significance for Genitopatellar syndrome. Last evaluated: 2024-08-04. Review status: criteria provided, single submitter. Criteria: Invitae Variant Classification Sherloc (09022015). Collection method: clinical testing. Allele origin: germline.
Comment: This sequence change replaces glutamine, which is neutral and polar, with arginine, which is basic and polar, at codon 802 of the KAT6B protein (p.Gln802Arg). This variant is present in population databases (rs778305732, gnomAD 0.002%). This variant has not been reported in the literature in individuals affected with KAT6B-related conditions. Advanced modeling of protein sequence and biophysical properties (such as structural, functional, and spatial information, amino acid conservation, physicochemical variation, residue mobility, and thermodynamic stability) has been performed at Invitae for this missense variant, however the output from this modeling did not meet the statistical confidence thresholds required to predict the impact of this variant on KAT6B protein function. In summary, the available evidence is currently insufficient to determine the role of this variant in disease. Therefore, it has been classified as a Variant of Uncertain Significance.

Fulgent Genetics
Classification: Uncertain significance for Blepharophimosis - intellectual disability syndrome, SBBYS type; Genitopatellar syndrome. Last evaluated: 2024-06-03. Review status: criteria provided, single submitter. Criteria: ACMG Guidelines, 2015. Collection method: clinical testing. Allele origin: germline.